The following is an entry in ClinVar:

NM_006904.7(PRKDC):c.2028T>A (p.Asn676Lys)

Gene: PRKDC (protein kinase, DNA-activated, catalytic subunit; minus strand). Cytogenetic location: 8q11.21.
Variant type: single nucleotide variant.
Coding change: c.2028T>A on transcript NM_006904.7 (MANE Select); coding-DNA position 2028, T replaced by A.
Protein change: p.Asn676Lys; replaces asparagine 676 with lysine.
Molecular consequence: missense variant.
Genome position (GRCh38, 1-based): chr8:47,929,877, A>T on the plus strand (T>A on the coding strand, the complement: PRKDC is on the minus strand). VCF-style: chr8-47929877-A-T. GRCh37 (hg19) VCF-style: chr8-48842437-A-T.
Other names: c.2028T>A, p.Asn676Lys (NM_001081640.2); c.2028T>A (NM_006904.6); short protein forms N676K.
Identifiers: ClinVar variation 1519546 (VCV001519546.5), dbSNP rs772021510, ClinGen allele CA4741574.

ClinVar aggregate classification (germline): Uncertain significance. Review status: criteria provided, multiple submitters, no conflicts (2 of 4 stars). 2 submissions from 2 submitters: Uncertain significance (2). Last evaluated 2025-12-15.

Conditions:
Severe combined immunodeficiency due to DNA-PKcs deficiency. Also called: Immunodeficiency 26 with or without neurologic abnormalities; IMMUNODEFICIENCY 26 WITH NEUROLOGIC ABNORMALITIES. Identifiers: Orphanet 317425, MedGen C4014833, MONDO:0014423, OMIM 615966.

Allele frequency attached by ClinVar (database versions not stated): ExAC 0.00001; TOPMed 0.00002; gnomAD exomes 0.00003.
gnomAD v4.1: 8 of 1,596,534 alleles (0.0005%); highest among the groups gnomAD compares: Admixed American, 0.015%; no homozygotes.

Submissions (2):

Ambry Genetics
Classification: Uncertain significance. Last evaluated: 2025-12-15. Review status: criteria provided, single submitter. Criteria: Ambry Variant Classification Scheme 2023. Collection method: clinical testing. Allele origin: germline.

Labcorp Genetics (formerly Invitae), Labcorp
Classification: Uncertain significance for Severe combined immunodeficiency due to DNA-PKcs deficiency. Last evaluated: 2023-11-27. Review status: criteria provided, single submitter. Criteria: Invitae Variant Classification Sherloc (09022015). Collection method: clinical testing. Allele origin: germline.
Comment: This sequence change replaces asparagine, which is neutral and polar, with lysine, which is basic and polar, at codon 676 of the PRKDC protein (p.Asn676Lys). This variant is present in population databases (rs772021510, gnomAD 0.02%). This variant has not been reported in the literature in individuals affected with PRKDC-related conditions. ClinVar contains an entry for this variant (Variation ID: 1519546). Advanced modeling of protein sequence and biophysical properties (such as structural, functional, and spatial information, amino acid conservation, physicochemical variation, residue mobility, and thermodynamic stability) performed at Invitae indicates that this missense variant is expected to disrupt PRKDC protein function with a positive predictive value of 80%. In summary, the available evidence is currently insufficient to determine the role of this variant in disease. Therefore, it has been classified as a Variant of Uncertain Significance.